The following is an entry in ClinVar:

NM_001164508.2(NEB):c.5269A>T (p.Lys1757Ter)

Gene: NEB (nebulin; minus strand). Cytogenetic location: 2q23.3.
Variant type: single nucleotide variant.
Coding change: c.5269A>T on transcript NM_001164508.2 (MANE Select); coding-DNA position 5269, A replaced by T.
Protein change: p.Lys1757Ter; replaces lysine 1757 with a stop codon.
Molecular consequence: nonsense.
Genome position (GRCh38, 1-based): chr2:151,664,833, T>A on the plus strand (A>T on the coding strand, the complement: NEB is on the minus strand). VCF-style: chr2-151664833-T-A. GRCh37 (hg19) VCF-style: chr2-152521347-T-A.
Other names: c.5269A>T, p.Lys1757Ter (NM_001164507.2, NM_001271208.2, NM_004543.5); short protein forms K1757*.
Identifiers: ClinVar variation 1724858 (VCV001724858.2), dbSNP rs2552257498, ClinGen allele CA348811687.

ClinVar aggregate classification (germline): Likely pathogenic (1 of 4 stars; one submission).

Conditions:
Nemaline myopathy 2 (NEM2). Also called: Nemaline myopathy 2, autosomal recessive. Identifiers: MedGen C1850569, MONDO:0009725, OMIM 256030.

Submission:

Myriad Genetics, Inc.
Classification: Likely pathogenic for Nemaline myopathy 2. Last evaluated: 2022-03-02. Review status: criteria provided, single submitter. Criteria: Myriad Women's Health Autosomal Recessive and X-Linked Classification Criteria (2021). Collection method: clinical testing. Allele origin: unknown.
Comment: NM_001271208.1(NEB):c.5269A>T(K1757*) is expected to be pathogenic in the context of NEB-related nemaline myopathy. This variant is predicted to lead to an abnormal or absent protein product due to the creation of a premature termination codon in NEB, a gene where loss-of-function variants are known to be pathogenic. Please note: this variant was assessed in the context of healthy population screening.